The following is an entry in ClinVar:

ClinVar aggregate classification (germline): Uncertain significance (1 of 4 stars; one submission).

Conditions:
Werner syndrome (WRN). Identifiers: Orphanet 902, MedGen C0043119, MONDO:0010196, OMIM 277700.

Allele frequency attached by ClinVar (database versions not stated): gnomAD 0.00001; gnomAD exomes 0.00001; TOPMed 0.00001.

Submission:

Labcorp Genetics (formerly Invitae), Labcorp
Classification: Uncertain significance for Werner syndrome. Last evaluated: 2023-12-18. Review status: criteria provided, single submitter. Criteria: Invitae Variant Classification Sherloc (09022015). Collection method: clinical testing. Allele origin: germline.
Comment: This sequence change replaces cysteine, which is neutral and slightly polar, with tyrosine, which is neutral and polar, at codon 62 of the WRN protein (p.Cys62Tyr). This variant is not present in population databases (gnomAD no frequency). This variant has not been reported in the literature in individuals affected with WRN-related conditions. ClinVar contains an entry for this variant (Variation ID: 1004399). An algorithm developed to predict the effect of missense changes on protein structure and function (PolyPhen-2) suggests that this variant is likely to be disruptive. In summary, the available evidence is currently insufficient to determine the role of this variant in disease. Therefore, it has been classified as a Variant of Uncertain Significance.

NM_000553.6(WRN):c.185G>A (p.Cys62Tyr)

Gene: WRN (WRN RecQ like helicase; plus strand). Cytogenetic location: 8p12.
Variant type: single nucleotide variant.
Coding change: c.185G>A on transcript NM_000553.6 (MANE Select); coding-DNA position 185, G replaced by A.
Protein change: p.Cys62Tyr; replaces cysteine 62 with tyrosine.
Molecular consequence: missense variant.
Genome position (GRCh38, 1-based): chr8:31,059,241, G>A. VCF-style: chr8-31059241-G-A. GRCh37 (hg19) VCF-style: chr8-30916757-G-A.
Other names: short protein forms C62Y.
Identifiers: ClinVar variation 1004399 (VCV001004399.3), dbSNP rs1220664311, ClinGen allele CA370912664.